The following is an entry in ClinVar:

NM_177972.3(TUB):c.173G>A (p.Ser58Asn)

Gene: TUB (TUB bipartite transcription factor; plus strand). Cytogenetic location: 11p15.4.
Variant type: single nucleotide variant.
Coding change: c.173G>A on transcript NM_177972.3 (MANE Select); coding-DNA position 173, G replaced by A.
Protein change: p.Ser58Asn; replaces serine 58 with asparagine.
Molecular consequence: missense variant.
Genome position (GRCh38, 1-based): chr11:8,090,151, G>A. VCF-style: chr11-8090151-G-A. GRCh37 (hg19) VCF-style: chr11-8111698-G-A.
Other names: c.338G>A, p.Ser113Asn (NM_003320.5); c.338G>A (NM_003320.4); short protein forms S113N, S58N.
Identifiers: ClinVar variation 2101887 (VCV002101887.5), dbSNP rs1943744137, ClinGen allele CA379562866.

ClinVar aggregate classification (germline): Uncertain significance. Review status: criteria provided, multiple submitters, no conflicts (2 of 4 stars). 2 submissions from 2 submitters: Uncertain significance (2). Last evaluated 2024-02-28.

Submissions (2):

Ambry Genetics
Classification: Uncertain significance. Last evaluated: 2024-02-28. Review status: criteria provided, single submitter. Criteria: Ambry Variant Classification Scheme 2023. Collection method: clinical testing. Allele origin: germline.

Labcorp Genetics (formerly Invitae), Labcorp
Classification: Uncertain significance. Last evaluated: 2022-02-24. Review status: criteria provided, single submitter. Criteria: Invitae Variant Classification Sherloc (09022015). Collection method: clinical testing. Allele origin: germline.
Comment: In summary, the available evidence is currently insufficient to determine the role of this variant in disease. Therefore, it has been classified as a Variant of Uncertain Significance. Algorithms developed to predict the effect of missense changes on protein structure and function are either unavailable or do not agree on the potential impact of this missense change (SIFT: "Deleterious"; PolyPhen-2: "Benign"; Align-GVGD: "Class C0"). This variant has not been reported in the literature in individuals affected with TUB-related conditions. This variant is not present in population databases (gnomAD no frequency). This sequence change replaces serine, which is neutral and polar, with asparagine, which is neutral and polar, at codon 113 of the TUB protein (p.Ser113Asn).